The following is an entry in ClinVar:

NM_000272.3(NPHP1):c.625-3dup

Gene: NPHP1 (nephrocystin 1; minus strand). Cytogenetic location: 2q13.
Variant type: Duplication.
Coding change: c.625-3dup on transcript NM_000272.3; 3 bases into the intron before coding-DNA position 625, one base duplicated (T; older notation c.625-3dupT).
Molecular consequence: intron variant (on NM_001128178.3).
Genome position (GRCh38, 1-based): chr2:110,165,158, A duplicated on the plus strand (T on the coding strand, the reverse complement: NPHP1 is on the minus strand); the first of 6 consecutive A bases (chr2:110,165,158-110,165,163); duplicating any one gives the same sequence. VCF-style (leftmost placement, unchanged base first): chr2-110165157-T-TA. GRCh37 (hg19) VCF-style: chr2-110922734-T-TA.
Other names: c.439-3dup (NM_001128179.3); c.625-3dup (NM_001374256.1, NM_001128178.3, NM_001374257.1 and 2 more transcripts).
Identifiers: ClinVar variation 156395 (VCV000156395.16), dbSNP rs200118387, ClinGen allele CA270792.

ClinVar aggregate classification (germline): Conflicting classifications of pathogenicity. Review status: criteria provided, conflicting classifications (1 of 4 stars). 7 submissions from 7 submitters: Uncertain significance (2); Benign (1); Likely benign (2). 2 of the submissions do not count toward it. Last evaluated 2026-01-30.

Conditions:
NPHP1-related disorder. Also called: NPHP1-related condition; NPHP1-related disorders.
Nephronophthisis. Also called: Juvenile Nephronophthisis. Identifiers: Orphanet 655, MedGen C0687120, MONDO:0019005, HP:0000090.
Nephronophthisis 1 (NPHP1). Also called: Nephronophthisis familial juvenile. Identifiers: Orphanet 655, Orphanet 93592, MedGen C1855681, MONDO:0009728, OMIM 256100.
Joubert syndrome with renal defect. Also called: JOUBERT SYNDROME 4. Identifiers: Orphanet 220497, MedGen C1846790, MONDO:0012308, OMIM 609583.
Senior-Loken syndrome 1 (SLSN1). Also called: JUVENILE NEPHRONOPHTHISIS WITH LEBER AMAUROSIS. Identifiers: Orphanet 3156, MedGen C4551559, MONDO:0009962, OMIM 266900.
Leber congenital amaurosis (LCA). Also called: Leber's amaurosis. Identifiers: Orphanet 65, MedGen C0339527, MeSH D057130, MONDO:0018998.

Submissions (7):

GeneDx
Classification: Uncertain significance. Last evaluated: 2026-01-30. Review status: criteria provided, single submitter. Criteria: GeneDx Variant Classification Process June 2021. Collection method: clinical testing. Allele origin: germline.
Comment: In silico analysis is inconclusive as to whether the variant alters gene splicing. In the absence of RNA/functional studies, the actual effect of this sequence change is unknown.; Has not been previously published as pathogenic or benign to our knowledge

Labcorp Genetics (formerly Invitae), Labcorp
Classification: Benign for Nephronophthisis. Last evaluated: 2026-01-25. Review status: criteria provided, single submitter. Criteria: Invitae Variant Classification Sherloc (09022015). Collection method: clinical testing. Allele origin: germline.

Blueprint Genetics
Classification: Likely benign. Last evaluated: 2024-09-23. Review status: criteria provided, single submitter. Criteria: ACMG Guidelines, 2015. Collection method: clinical testing. Allele origin: germline.

Eurofins Ntd Llc (ga)
Classification: Likely benign. Last evaluated: 2017-08-07. Review status: criteria provided, single submitter. Criteria: EGL Classification Definitions 2015. Collection method: clinical testing. Allele origin: germline. Observed: 1 variant allele, 1 heterozygote.

Soonchunhyang University Bucheon Hospital, Soonchunhyang University Medical Center
Classification: Uncertain significance for Joubert syndrome with renal defect; Nephronophthisis 1; Senior-Loken syndrome 1. Last evaluated: 2016-03-18. Review status: criteria provided, single submitter. Criteria: ACMG Guidelines, 2015. Collection method: reference population. Allele origin: germline. Observed: 1 variant allele.

PreventionGenetics, part of Exact Sciences
Classification: Benign for NPHP1-related condition. Last evaluated: 2022-06-01. Review status: no assertion criteria provided. Collection method: clinical testing. Allele origin: germline. Not counted in ClinVar's aggregate classification.
Comment: This variant is classified as benign based on ACMG/AMP sequence variant interpretation guidelines (Richards et al. 2015 PMID: 25741868, with internal and published modifications).

Molecular Diagnostics Laboratory, Seoul National University Hospital
Classification: Uncertain significance for Leber congenital amaurosis. Last evaluated: 2014-09-18. Review status: no assertion criteria provided. Collection method: clinical testing. Allele origin: unknown. Affected: yes. Not counted in ClinVar's aggregate classification.

Literature cited by the submitters: PubMed 15138899 (cited by Soonchunhyang University Bucheon Hospital, Soonchunhyang University Medical Center); PubMed 10839884 (cited by Soonchunhyang University Bucheon Hospital, Soonchunhyang University Medical Center).